The following is an entry in ClinVar:

ClinVar aggregate classification (germline): Uncertain significance (1 of 4 stars; one submission).

Conditions:
Autoimmune lymphoproliferative syndrome, type III caused by mutation in PRKCD. Identifiers: Orphanet 3261, Orphanet 664711, MedGen C3809928, MONDO:8000024, OMIM 615559.

Allele frequency attached by ClinVar (database versions not stated): gnomAD exomes below 0.00001.
gnomAD v4.1: 3 of 1,614,232 alleles (0.00019%); highest among the groups gnomAD compares: Middle Eastern, 0.016%; no homozygotes.

Submission:

Labcorp Genetics (formerly Invitae), Labcorp
Classification: Uncertain significance for Autoimmune lymphoproliferative syndrome, type III caused by mutation in PRKCD. Last evaluated: 2022-02-11. Review status: criteria provided, single submitter. Criteria: Invitae Variant Classification Sherloc (09022015). Collection method: clinical testing. Allele origin: germline.
Comment: This sequence change replaces isoleucine, which is neutral and non-polar, with valine, which is neutral and non-polar, at codon 148 of the PRKCD protein (p.Ile148Val). This variant is not present in population databases (gnomAD no frequency). This variant has not been reported in the literature in individuals affected with PRKCD-related conditions. Algorithms developed to predict the effect of missense changes on protein structure and function are either unavailable or do not agree on the potential impact of this missense change (SIFT: "Deleterious"; PolyPhen-2: "Benign"; Align-GVGD: "Class C0"). In summary, the available evidence is currently insufficient to determine the role of this variant in disease. Therefore, it has been classified as a Variant of Uncertain Significance.

NM_006254.4(PRKCD):c.442A>G (p.Ile148Val)

Gene: PRKCD (protein kinase C delta; plus strand). Cytogenetic location: 3p21.1.
Variant type: single nucleotide variant.
Coding change: c.442A>G on transcript NM_006254.4 (MANE Select); coding-DNA position 442, A replaced by G.
Protein change: p.Ile148Val; replaces isoleucine 148 with valine.
Molecular consequence: missense variant.
Genome position (GRCh38, 1-based): chr3:53,181,509, A>G. VCF-style: chr3-53181509-A-G. GRCh37 (hg19) VCF-style: chr3-53215525-A-G.
Other names: c.442A>G, p.Ile148Val (NM_001316327.2, NM_001354679.2, NM_001354680.2 and 1 more transcripts); c.499A>G, p.Ile167Val (NM_001354676.2); c.490A>G, p.Ile164Val (NM_001354678.2); short protein forms I148V, I164V, I167V.
Identifiers: ClinVar variation 1409102 (VCV001409102.5), dbSNP rs1559624784, ClinGen allele CA353234084.